The following is an entry in ClinVar:

NM_001189.4(NKX3-2):c.559A>C (p.Ser187Arg)

Gene: NKX3-2 (NK3 homeobox 2; minus strand). Cytogenetic location: 4p15.33.
Variant type: single nucleotide variant.
Coding change: c.559A>C on transcript NM_001189.4 (MANE Select); coding-DNA position 559, A replaced by C.
Protein change: p.Ser187Arg; replaces serine 187 with arginine.
Molecular consequence: missense variant.
Genome position (GRCh38, 1-based): chr4:13,542,436, T>G on the plus strand (A>C on the coding strand, the complement: NKX3-2 is on the minus strand). VCF-style: chr4-13542436-T-G. GRCh37 (hg19) VCF-style: chr4-13544060-T-G.
Other names: short protein forms S187R.
Identifiers: ClinVar variation 1487626 (VCV001487626.3), dbSNP rs1342809466, ClinGen allele CA356377116.

ClinVar aggregate classification (germline): Uncertain significance (1 of 4 stars; one submission).

Allele frequency attached by ClinVar (database versions not stated): TOPMed 0.00001; gnomAD 0.00001.
gnomAD v4.1: 3 of 1,558,712 alleles (0.00019%); highest among the groups gnomAD compares: Admixed American, 0.0018%; no homozygotes.

Submission:

Labcorp Genetics (formerly Invitae), Labcorp
Classification: Uncertain significance. Last evaluated: 2022-07-05. Review status: criteria provided, single submitter. Criteria: Invitae Variant Classification Sherloc (09022015). Collection method: clinical testing. Allele origin: germline.
Comment: This sequence change replaces serine, which is neutral and polar, with arginine, which is basic and polar, at codon 187 of the NKX3-2 protein (p.Ser187Arg). This variant is present in population databases (no rsID available, gnomAD 0.007%). This variant has not been reported in the literature in individuals affected with NKX3-2-related conditions. ClinVar contains an entry for this variant (Variation ID: 1487626). Algorithms developed to predict the effect of missense changes on protein structure and function (SIFT, PolyPhen-2, Align-GVGD) all suggest that this variant is likely to be tolerated. In summary, the available evidence is currently insufficient to determine the role of this variant in disease. Therefore, it has been classified as a Variant of Uncertain Significance.